The following is an entry in ClinVar:

ClinVar aggregate classification (germline): Benign. Review status: criteria provided, multiple submitters, no conflicts (2 of 4 stars). 5 submissions from 5 submitters: Benign (5). Last evaluated 2026-02-01.

Conditions:
STT3A-congenital disorder of glycosylation. Also called: CONGENITAL DISORDER OF GLYCOSYLATION, TYPE Iw, AUTOSOMAL RECESSIVE; STT3A-CDG; Congenital disorder of glycosylation type 1w. Identifiers: Orphanet 370921, MedGen C5561935, MONDO:0014270, OMIM 615596.

Allele frequency attached by ClinVar (database versions not stated): TOPMed 0.27369; gnomAD 0.27654 and 0.28208; ESP Exome Variant Server 0.28985; gnomAD exomes 0.29172 and 0.29261; ExAC 0.29628; 1000 Genomes Project 30x 0.30184; 1000 Genomes Project 0.30831.
gnomAD v4.1: 467,383 of 1,601,370 alleles (29%); highest among the groups gnomAD compares: East Asian, 39%; 69,247 homozygotes.

Submissions (5):

Labcorp Genetics (formerly Invitae), Labcorp
Classification: Benign. Last evaluated: 2026-02-01. Review status: criteria provided, single submitter. Criteria: Invitae Variant Classification Sherloc (09022015). Collection method: clinical testing. Allele origin: germline.

Genome-Nilou Lab
Classification: Benign for STT3A-congenital disorder of glycosylation. Last evaluated: 2021-07-15. Review status: criteria provided, single submitter. Criteria: ACMG Guidelines, 2015. Collection method: clinical testing. Allele origin: germline. Affected: no.

Mayo Clinic Laboratories, Mayo Clinic
Classification: Benign. Last evaluated: 2017-12-21. Review status: criteria provided, single submitter. Criteria: ACMG Guidelines, 2015. Collection method: clinical testing. Allele origin: germline. Observed: 20 variant alleles.

GeneDx
Classification: Benign. Last evaluated: 2015-12-02. Review status: criteria provided, single submitter. Criteria: GeneDx Variant Classification (06012015). Collection method: clinical testing. Allele origin: germline. Affected: yes.
Comment: This variant is considered likely benign or benign based on one or more of the following criteria: it is a conservative change, it occurs at a poorly conserved position in the protein, it is predicted to be benign by multiple in silico algorithms, and/or has population frequency not consistent with disease.

Breakthrough Genomics
Classification: Benign. Review status: criteria provided, single submitter. Criteria: ACMG Guidelines, 2015. Collection method: not provided. Allele origin: germline. Inheritance: Autosomal recessive inheritance. Affected: yes.

NM_152713.5(STT3A):c.1117+12C>T

Gene: STT3A (STT3 oligosaccharyltransferase complex catalytic subunit A; plus strand). Cytogenetic location: 11q24.2.
Variant type: single nucleotide variant.
Coding change: c.1117+12C>T on transcript NM_152713.5 (MANE Select); 12 bases into the intron after coding-DNA position 1117, C replaced by T.
Molecular consequence: intron variant.
Genome position (GRCh38, 1-based): chr11:125,609,601, C>T. VCF-style: chr11-125609601-C-T. GRCh37 (hg19) VCF-style: chr11-125479496-C-T.
Other names: p.?; c.1117+12C>T (NM_001278503.2); c.841+12C>T (NM_001278504.2).
Identifiers: ClinVar variation 380031 (VCV000380031.14), dbSNP rs2241501, ClinGen allele CA6348995.